The following is an entry in ClinVar:

ClinVar aggregate classification (germline): Uncertain significance. Review status: criteria provided, multiple submitters, no conflicts (2 of 4 stars). 3 submissions from 3 submitters: Uncertain significance (3). Last evaluated 2026-02-10.

Conditions:
SCP2-related disorder. Also called: SCP2-related condition.

Allele frequency attached by ClinVar (database versions not stated): gnomAD 0.00001; gnomAD exomes 0.00001 and 0.00002; TOPMed 0.00001.

Submissions (3):

PreventionGenetics, part of Exact Sciences
Classification: Uncertain significance for SCP2-related condition. Last evaluated: 2026-02-10. Review status: criteria provided, single submitter. Criteria: ACMG Guidelines, 2015. Collection method: clinical testing. Allele origin: germline.
Comment: The SCP2 c.313C>T variant is predicted to result in the amino acid substitution p.Arg105Cys. To our knowledge, this variant has not been reported in the literature. This variant is reported in 0.0080% of alleles in individuals of African descent in gnomAD. At this time, the clinical significance of this variant is uncertain due to the absence of conclusive functional and genetic evidence.

Labcorp Genetics (formerly Invitae), Labcorp
Classification: Uncertain significance. Last evaluated: 2022-07-11. Review status: criteria provided, single submitter. Criteria: Invitae Variant Classification Sherloc (09022015). Collection method: clinical testing. Allele origin: germline.
Comment: This sequence change replaces arginine, which is basic and polar, with cysteine, which is neutral and slightly polar, at codon 105 of the SCP2 protein (p.Arg105Cys). This variant is present in population databases (rs760010623, gnomAD 0.008%). This variant has not been reported in the literature in individuals affected with SCP2-related conditions. ClinVar contains an entry for this variant (Variation ID: 1485422). Algorithms developed to predict the effect of missense changes on protein structure and function are either unavailable or do not agree on the potential impact of this missense change (SIFT: "Deleterious"; PolyPhen-2: "Probably Damaging"; Align-GVGD: "Class C0"). In summary, the available evidence is currently insufficient to determine the role of this variant in disease. Therefore, it has been classified as a Variant of Uncertain Significance.

Ambry Genetics
Classification: Uncertain significance. Last evaluated: 2021-11-12. Review status: criteria provided, single submitter. Criteria: Ambry Variant Classification Scheme 2023. Collection method: clinical testing. Allele origin: germline.

NM_002979.5(SCP2):c.313C>T (p.Arg105Cys)

Gene: SCP2 (sterol carrier protein 2; plus strand). Cytogenetic location: 1p32.3.
Variant type: single nucleotide variant.
Coding change: c.313C>T on transcript NM_002979.5 (MANE Select); coding-DNA position 313, C replaced by T.
Protein change: p.Arg105Cys; replaces arginine 105 with cysteine.
Molecular consequence: missense variant. On other transcripts: intron variant (2).
Genome position (GRCh38, 1-based): chr1:52,950,868, C>T. VCF-style: chr1-52950868-C-T. GRCh37 (hg19) VCF-style: chr1-53416540-C-T.
Other names: c.313C>T (NM_002979.4); c.241C>T, p.Arg81Cys (NM_001193599.2); c.70C>T, p.Arg24Cys (NM_001193617.2); c.313C>T, p.Arg105Cys (NM_001330587.2); c.199+2788C>T (NM_001193600.2, NM_001007098.3); short protein forms R105C, R24C, R81C.
Identifiers: ClinVar variation 1485422 (VCV001485422.7), dbSNP rs760010623, ClinGen allele CA22594768.